The following is an entry in ClinVar:

NM_020754.4(ARHGAP31):c.662C>T (p.Pro221Leu)

Gene: ARHGAP31 (Rho GTPase activating protein 31; plus strand). Cytogenetic location: 3q13.33.
Variant type: single nucleotide variant.
Coding change: c.662C>T on transcript NM_020754.4 (MANE Select); coding-DNA position 662, C replaced by T.
Protein change: p.Pro221Leu; replaces proline 221 with leucine.
Molecular consequence: missense variant.
Genome position (GRCh38, 1-based): chr3:119,383,206, C>T. VCF-style: chr3-119383206-C-T. GRCh37 (hg19) VCF-style: chr3-119102053-C-T.
Other names: short protein forms P221L.
Identifiers: ClinVar variation 342634 (VCV000342634.37), dbSNP rs751793, ClinGen allele CA2553658.

ClinVar aggregate classification (germline): Benign/Likely benign. Review status: criteria provided, multiple submitters, no conflicts (2 of 4 stars). 5 submissions from 5 submitters: Benign (2); Likely benign (3). Last evaluated 2026-03-01.

Conditions:
Adams-Oliver syndrome 1 (AOS1). Also called: CONGENITAL SCALP DEFECTS WITH DISTAL LIMB REDUCTION ANOMALIES; ABSENCE DEFECT OF LIMBS, SCALP, AND SKULL; APLASIA CUTIS CONGENITA WITH TERMINAL TRANSVERSE LIMB DEFECTS. Identifiers: Orphanet 974, MedGen C4551482, MONDO:0024506, OMIM 100300.

Allele frequency attached by ClinVar (database versions not stated): 1000 Genomes Project 30x 0.00016; 1000 Genomes Project 0.00020; TOPMed 0.00118; gnomAD 0.00136 and 0.00146; gnomAD exomes 0.00164 and 0.00191; ESP Exome Variant Server 0.00177; ExAC 0.00186.
gnomAD v4.1: 2,960 of 1,614,086 alleles (0.18%); highest among the groups gnomAD compares: Non-Finnish European, 0.23%; 9 homozygotes.

Submissions (5):

CeGaT Center for Human Genetics Tuebingen
Classification: Benign. Last evaluated: 2026-03-01. Review status: criteria provided, single submitter. Criteria: CeGaT Center For Human Genetics Tuebingen Variant Classification Criteria Version 2. Collection method: clinical testing. Allele origin: germline. Affected: yes. Observed: 3 variant alleles.
Comment: ARHGAP31: BS1, BS2

Labcorp Genetics (formerly Invitae), Labcorp
Classification: Likely benign. Last evaluated: 2025-12-08. Review status: criteria provided, single submitter. Criteria: Invitae Variant Classification Sherloc (09022015). Collection method: clinical testing. Allele origin: germline.

Blueprint Genetics
Classification: Likely benign. Last evaluated: 2024-11-25. Review status: criteria provided, single submitter. Criteria: ACMG Guidelines, 2015. Collection method: clinical testing. Allele origin: germline.

Johns Hopkins Genomics, Johns Hopkins University
Classification: Benign for Adams-Oliver syndrome 1. Last evaluated: 2024-05-23. Review status: criteria provided, single submitter. Criteria: ACMG Guidelines, 2015. Collection method: clinical testing. Allele origin: germline.
Comment: BS1, BS2

Center for Pediatric Genomic Medicine, Children's Mercy Hospital and Clinics
Classification: Likely benign. Last evaluated: 2017-01-12. Review status: criteria provided, single submitter. Criteria: ACMG Guidelines, 2015. Collection method: clinical testing. Allele origin: germline.
ClinVar note: Converted during submission from Likely Benign to Likely benign.